The following is an entry in ClinVar:

ClinVar aggregate classification (germline): Uncertain significance. Review status: criteria provided, multiple submitters, no conflicts (2 of 4 stars). 9 submissions from 9 submitters: Uncertain significance (8). 1 of the submissions does not count toward it. Last evaluated 2025-11-26.

Conditions:
Congenital myopathy with fiber type disproportion. Also called: Congenital fiber-type disproportion myopathy; Congenital fiber-type disproportion. Identifiers: Orphanet 2020, MedGen C0546264, MONDO:0009711. Inheritance: all.
King Denborough syndrome (KDS). Identifiers: MedGen C1840365, MONDO:0020485, OMIM 619542.
Central core myopathy (CMYO1A). Also called: CONGENITAL MYOPATHY 1A, AUTOSOMAL DOMINANT, WITH SUSCEPTIBILITY TO MALIGNANT HYPERTHERMIA; Central core disease; Myopathy, central fibrillar. Identifiers: Orphanet 597, MedGen C5830701, MONDO:0007294, OMIM 117000.
Malignant hyperthermia, susceptibility to, 1 (MHS1). Also called: Malignant hyperthermia suceptibility 1; Anesthesia related hyperthermia; Malignant hyperpyrexia; Fulminating hyperpyrexia; Pharmacogenic myopathy; RYR1-Related Malignant Hyperthermia Susceptibility. Identifiers: Orphanet 423, MedGen C2930980, MONDO:0007783, OMIM 145600.
Congenital multicore myopathy with external ophthalmoplegia (CMYO1B). Also called: Congenital myopathy 1B, autosomal recessive; Minicore myopathy; MULTICORE MYOPATHY; Minicore myopathy with external ophthalmoplegia; MULTIMINICORE DISEASE WITH EXTERNAL OPHTHALMOPLEGIA. Identifiers: Orphanet 598, Orphanet 98905, MedGen C1850674, MONDO:0009712, OMIM 255320, HP:0003789.
RYR1-related disorder. Also called: RYR1-related disorders; RYR1-related condition. Identifiers: MedGen CN239331.

Allele frequency attached by ClinVar (database versions not stated): TOPMed 0.00002; gnomAD 0.00003 and 0.00004; ExAC 0.00004; gnomAD exomes 0.00004.
gnomAD v4.1: 75 of 1,613,886 alleles (0.0046%); highest among the groups gnomAD compares: Non-Finnish European, 0.006%; no homozygotes.

Submissions (9):

Color Diagnostics, LLC DBA Color Health
Classification: Uncertain significance for Malignant hyperthermia, susceptibility to, 1. Last evaluated: 2025-11-26. Review status: criteria provided, single submitter. Criteria: ACMG Guidelines, 2015. Collection method: clinical testing. Allele origin: germline.
Comment: This missense variant replaces glutamic acid with lysine at codon 579 of the RYR1 protein. Computational prediction suggests that this variant may have deleterious impact on protein structure and function. To our knowledge, functional studies have not been reported for this variant. This variant has been reported in individuals affected with RYR1-related myopathy (PMID: 32236737). This variant has been identified in 75/1613886 chromosomes in the general population by the Genome Aggregation Database (gnomAD). The available evidence is insufficient to determine the role of this variant in disease conclusively. Therefore, this variant is classified as a Variant of Uncertain Significance.

Mayo Clinic Laboratories, Mayo Clinic
Classification: Uncertain significance. Last evaluated: 2025-05-07. Review status: criteria provided, single submitter. Criteria: ACMG Guidelines, 2015. Collection method: clinical testing. Allele origin: germline. Observed: 1 variant allele.
Comment: PP2, PP3_moderate, PM2_supporting

Labcorp Genetics (formerly Invitae), Labcorp
Classification: Uncertain significance for RYR1-related disorder. Last evaluated: 2024-12-12. Review status: criteria provided, single submitter. Criteria: Invitae Variant Classification Sherloc (09022015). Collection method: clinical testing. Allele origin: germline.
Comment: This sequence change replaces glutamic acid, which is acidic and polar, with lysine, which is basic and polar, at codon 579 of the RYR1 protein (p.Glu579Lys). This variant is present in population databases (rs753907367, gnomAD 0.008%). This missense change has been observed in individual(s) with RYR1-related conditions (PMID: 32236737). ClinVar contains an entry for this variant (Variation ID: 449573). Invitae Evidence Modeling of protein sequence and biophysical properties (such as structural, functional, and spatial information, amino acid conservation, physicochemical variation, residue mobility, and thermodynamic stability) has been performed for this missense variant. However, the output from this modeling did not meet the statistical confidence thresholds required to predict the impact of this variant on RYR1 protein function. In summary, the available evidence is currently insufficient to determine the role of this variant in disease. Therefore, it has been classified as a Variant of Uncertain Significance.

All of Us Research Program, National Institutes of Health
Classification: Uncertain significance for Malignant hyperthermia, susceptibility to, 1. Last evaluated: 2024-09-17. Review status: criteria provided, single submitter. Criteria: ACMG Guidelines, 2015. Collection method: clinical testing. Allele origin: germline. Inheritance: Autosomal dominant inheritance. Observed: 16 variant alleles, 16 heterozygotes.
Comment: This missense variant replaces glutamic acid with lysine at codon 579 of the RYR1 protein. Computational prediction suggests that this variant may have deleterious impact on protein structure and function (internally defined REVEL score threshold >= 0.7, PMID: 27666373). To our knowledge, functional studies have not been reported for this variant. This variant has not been reported in individuals affected with RYR1-related disorders in the literature. This variant has been identified in 10/282840 chromosomes in the general population by the Genome Aggregation Database (gnomAD). The available evidence is insufficient to determine the role of this variant in disease conclusively. Therefore, this variant is classified as a Variant of Uncertain Significance.

This study involves interpretation of variants in research participants for the purpose of population health screening. Participant phenotype was not available at the time of variant classification. Additional details can be found in publication PMID: 35346344, PMCID: PMC8962531

Revvity Omics, Revvity
Classification: Uncertain significance. Last evaluated: 2022-06-15. Review status: criteria provided, single submitter. Criteria: ACMG Guidelines, 2015. Collection method: clinical testing. Allele origin: germline.

CeGaT Center for Human Genetics Tuebingen
Classification: Uncertain significance. Last evaluated: 2022-04-01. Review status: criteria provided, single submitter. Criteria: CeGaT Center For Human Genetics Tuebingen Variant Classification Criteria Version 2. Collection method: clinical testing. Allele origin: germline. Affected: yes. Observed: 1 variant allele.
Comment: RYR1: PP3

Fulgent Genetics
Classification: Uncertain significance for Central core myopathy; Malignant hyperthermia, susceptibility to, 1; Congenital myopathy 4A, autosomal dominant; Congenital multicore myopathy with external ophthalmoplegia; King Denborough syndrome. Last evaluated: 2021-08-24. Review status: criteria provided, single submitter. Criteria: ACMG Guidelines, 2015. Collection method: clinical testing. Allele origin: unknown.

GeneDx
Classification: Uncertain significance. Last evaluated: 2021-03-30. Review status: criteria provided, single submitter. Criteria: GeneDx Variant Classification Process June 2021. Collection method: clinical testing. Allele origin: germline. Affected: yes.
Comment: Not observed in large population cohorts (Lek et al., 2016); In silico analysis supports that this missense variant has a deleterious effect on protein structure/function; Has not been previously published as pathogenic or benign to our knowledge

PreventionGenetics, part of Exact Sciences
Classification: Uncertain significance for RYR1-related condition. Last evaluated: 2024-01-23. Review status: no assertion criteria provided. Collection method: clinical testing. Allele origin: germline. Not counted in ClinVar's aggregate classification.
Comment: The RYR1 c.1735G>A variant is predicted to result in the amino acid substitution p.Glu579Lys. To our knowledge, this variant has not been reported in the literature. This variant is reported in 0.0077% of alleles in individuals of European (Non-Finnish) descent in gnomAD. At this time, the clinical significance of this variant is uncertain due to the absence of conclusive functional and genetic evidence.

Literature cited by the submitters: PubMed 32236737 (cited by 3 submitters).

NM_000540.3(RYR1):c.1735G>A (p.Glu579Lys)

Gene: RYR1 (ryanodine receptor 1; plus strand). Cytogenetic location: 19q13.2.
Variant type: single nucleotide variant.
Coding change: c.1735G>A on transcript NM_000540.3 (MANE Select); coding-DNA position 1735, G replaced by A.
Protein change: p.Glu579Lys; replaces glutamic acid 579 with lysine.
Molecular consequence: missense variant.
Genome position (GRCh38, 1-based): chr19:38,455,695, G>A. VCF-style: chr19-38455695-G-A. GRCh37 (hg19) VCF-style: chr19-38946335-G-A.
Other names: p.Glu579Lys; c.1735G>A, p.Glu579Lys (NM_001042723.2); short protein forms E579K.
Identifiers: ClinVar variation 449573 (VCV000449573.48), dbSNP rs753907367, ClinGen allele CA062370.